The following is an entry in ClinVar:

ClinVar aggregate classification (germline): Uncertain significance. Review status: criteria provided, multiple submitters, no conflicts (2 of 4 stars). 2 submissions from 2 submitters: Uncertain significance (2). Last evaluated 2025-01-10.

Conditions:
Cardiovascular phenotype. Identifiers: MedGen CN230736.

gnomAD v4.1: 2 of 1,550,276 alleles (0.00013%); highest among the groups gnomAD compares: African/African-American, 0.0014%; no homozygotes.

Submissions (2):

Ambry Genetics
Classification: Uncertain significance for Cardiovascular phenotype. Last evaluated: 2025-01-10. Review status: criteria provided, single submitter. Criteria: Ambry Variant Classification Scheme 2023. Collection method: clinical testing. Allele origin: germline.
Comment: The p.P2497R variant (also known as c.7490C>G), located in coding exon 2 of the ZNF469 gene, results from a C to G substitution at nucleotide position 7490. The proline at codon 2497 is replaced by arginine, an amino acid with dissimilar properties. This amino acid position is conserved. In addition, this alteration is predicted to be tolerated by in silico analysis. Based on the available evidence, the clinical significance of this variant remains unclear.

Labcorp Genetics (formerly Invitae), Labcorp
Classification: Uncertain significance. Last evaluated: 2022-04-09. Review status: criteria provided, single submitter. Criteria: Invitae Variant Classification Sherloc (09022015). Collection method: clinical testing. Allele origin: germline.
Comment: This sequence change replaces proline, which is neutral and non-polar, with arginine, which is basic and polar, at codon 2497 of the ZNF469 protein (p.Pro2497Arg). This variant is not present in population databases (gnomAD no frequency). This variant has not been reported in the literature in individuals affected with ZNF469-related conditions. Algorithms developed to predict the effect of missense changes on protein structure and function output the following: SIFT: "Tolerated"; PolyPhen-2: "Benign"; Align-GVGD: "Class C0". The arginine amino acid residue is found in multiple mammalian species, which suggests that this missense change does not adversely affect protein function. In summary, the available evidence is currently insufficient to determine the role of this variant in disease. Therefore, it has been classified as a Variant of Uncertain Significance.

NM_001367624.2(ZNF469):c.7574C>G (p.Pro2525Arg)

Gene: ZNF469 (zinc finger protein 469; plus strand). Cytogenetic location: 16q24.2.
Variant type: single nucleotide variant.
Coding change: c.7574C>G on transcript NM_001367624.2 (MANE Select); coding-DNA position 7574, C replaced by G.
Protein change: p.Pro2525Arg; replaces proline 2525 with arginine.
Molecular consequence: missense variant.
Genome position (GRCh38, 1-based): chr16:88,435,044, C>G. VCF-style: chr16-88435044-C-G. GRCh37 (hg19) VCF-style: chr16-88501452-C-G.
Other names: NM_001127464.1:c.7490C>G; short protein forms P2525R.
Identifiers: ClinVar variation 1970435 (VCV001970435.3), dbSNP rs756003807, ClinGen allele CA286382894.